The following is an entry in ClinVar:

ClinVar aggregate classification (germline): Uncertain significance. Review status: criteria provided, multiple submitters, no conflicts (2 of 4 stars). 2 submissions from 2 submitters: Uncertain significance (2). Last evaluated 2024-11-26.

Conditions:
Inborn genetic diseases. Identifiers: MedGen C0950123, MeSH D030342.

Allele frequency attached by ClinVar (database versions not stated): gnomAD exomes 0.00002; ExAC 0.00004; gnomAD 0.00013; TOPMed 0.00025; 1000 Genomes Project 30x 0.00031; 1000 Genomes Project 0.00040.
gnomAD v4.1: 55 of 1,613,990 alleles (0.0034%); highest among the groups gnomAD compares: Admixed American, 0.048%; no homozygotes.

Submissions (2):

Ambry Genetics
Classification: Uncertain significance for Inborn genetic diseases. Last evaluated: 2024-11-26. Review status: criteria provided, single submitter. Criteria: Ambry Variant Classification Scheme 2023. Collection method: clinical testing. Allele origin: germline.

GeneDx
Classification: Uncertain significance. Last evaluated: 2022-12-07. Review status: criteria provided, single submitter. Criteria: GeneDx Variant Classification Process June 2021. Collection method: clinical testing. Allele origin: germline. Affected: yes.
Comment: Not observed at significant frequency in large population cohorts (gnomAD); In silico analysis supports that this missense variant has a deleterious effect on protein structure/function; Has not been previously published as pathogenic or benign to our knowledge

NM_015114.3(ANKLE2):c.1645T>G (p.Phe549Val)

Gene: ANKLE2 (ankyrin repeat and LEM domain containing 2; minus strand). Cytogenetic location: 12q24.33.
Variant type: single nucleotide variant.
Coding change: c.1645T>G on transcript NM_015114.3 (MANE Select); coding-DNA position 1645, T replaced by G.
Protein change: p.Phe549Val; replaces phenylalanine 549 with valine.
Molecular consequence: missense variant.
Genome position (GRCh38, 1-based): chr12:132,735,461, A>C on the plus strand (T>G on the coding strand, the complement: ANKLE2 is on the minus strand). VCF-style: chr12-132735461-A-C. GRCh37 (hg19) VCF-style: chr12-133312047-A-C.
Other names: c.1645T>G (NM_015114.1); short protein forms F549V.
Identifiers: ClinVar variation 2505012 (VCV002505012.2), dbSNP rs202029547, ClinGen allele CA6895527.